The following is an entry in ClinVar:

NM_001232.4(CASQ2):c.738-6_738-5del

Gene: CASQ2 (calsequestrin 2; minus strand). Cytogenetic location: 1p13.1.
Variant type: Deletion.
Coding change: c.738-6_738-5del on transcript NM_001232.4 (MANE Select); 6 bases into the intron before coding-DNA position 738 through 5 bases into the intron before coding-DNA position 738, 2 bases deleted (TT; older notation c.738-6_738-5delTT).
Molecular consequence: intron variant.
Genome position (GRCh38, 1-based): chr1:115,725,558-115,725,559, AA deleted on the plus strand (TT on the coding strand, the reverse complement: CASQ2 is on the minus strand); deleting any 2 consecutive bases within chr1:115,725,558-115,725,580 gives the same sequence; the c. name uses the placement nearest the transcript's 3' end. VCF-style (leftmost placement, unchanged base first): chr1-115725557-GAA-G. GRCh37 (hg19) VCF-style: chr1-116268178-GAA-G.
Other names: p.?; c.738-6_738-5delTT (NM_001232.3).
Identifiers: ClinVar variation 402495 (VCV000402495.18), dbSNP rs56889721, ClinGen allele CA1023773.
Genomic context (GRCh38, chr1:115,725,557, plus strand): 5'-CTCTTTCTTACCCATGTTTCAAACATTTCTTCTGGGCGCAGGCGACGTAGAGTGGGTCTG[GAA>G]AAAAAAAAAAAAAAAAAAAAAGAAAGAGCTTCCTTGAGTAGGGATCACTGTGGCAGACAC-3'

ClinVar aggregate classification (germline): Benign. Review status: criteria provided, multiple submitters, no conflicts (2 of 4 stars). 11 submissions from 11 submitters: Benign (8). 3 of the submissions do not count toward it. Last evaluated 2026-02-02.

Conditions:
Cardiomyopathy (CMYO). Also called: Cardiomyopathies. Identifiers: Orphanet 167848, MedGen C0878544, MONDO:0004994, HP:0001638. Inheritance: Various modes of inheritance.
Catecholaminergic polymorphic ventricular tachycardia 2. Also called: CASQ2-Related Catecholaminergic Polymorphic Ventricular Tachycardia; VENTRICULAR TACHYCARDIA, STRESS-INDUCED POLYMORPHIC 2. Identifiers: Orphanet 3286, MedGen C2677794, MONDO:0012762, OMIM 611938.
Catecholaminergic polymorphic ventricular tachycardia 1. Also called: RYR2-Related Catecholaminergic Polymorphic Ventricular Tachycardia; VENTRICULAR TACHYCARDIA, CATECHOLAMINERGIC POLYMORPHIC, 1, WITH OR WITHOUT ATRIAL DYSFUNCTION AND/OR DILATED CARDIOMYOPATHY; VENTRICULAR TACHYCARDIA, STRESS-INDUCED POLYMORPHIC 1. Identifiers: Orphanet 3286, MedGen C1631597, MONDO:0011484, OMIM 604772.

Submissions (11):

Labcorp Genetics (formerly Invitae), Labcorp
Classification: Benign for Catecholaminergic polymorphic ventricular tachycardia 1. Last evaluated: 2026-02-02. Review status: criteria provided, single submitter. Criteria: Invitae Variant Classification Sherloc (09022015). Collection method: clinical testing. Allele origin: germline.

Blueprint Genetics
Classification: Benign. Last evaluated: 2024-11-26. Review status: criteria provided, single submitter. Criteria: ACMG Guidelines, 2015. Collection method: clinical testing. Allele origin: germline.

Genome-Nilou Lab
Classification: Benign for Catecholaminergic polymorphic ventricular tachycardia 2. Last evaluated: 2023-04-11. Review status: criteria provided, single submitter. Criteria: ACMG Guidelines, 2015. Collection method: clinical testing. Allele origin: germline. Affected: no.

Mayo Clinic Laboratories, Mayo Clinic
Classification: Benign. Last evaluated: 2022-04-26. Review status: criteria provided, single submitter. Criteria: ACMG Guidelines, 2015. Collection method: clinical testing. Allele origin: germline. Observed: 227 variant alleles.

CHEO Genetics Diagnostic Laboratory, Children's Hospital of Eastern Ontario
Classification: Benign for Cardiomyopathy. Last evaluated: 2020-08-12. Review status: criteria provided, single submitter. Criteria: ACMG Guidelines, 2015. Collection method: clinical testing. Allele origin: germline.

Women's Health and Genetics/Laboratory Corporation of America, LabCorp
Classification: Benign. Last evaluated: 2019-11-29. Review status: criteria provided, single submitter. Criteria: LabCorp Variant Classification Summary - May 2015. Collection method: clinical testing. Allele origin: germline.
Comment: Variant summary: CASQ2 c.738-6_738-5delTT alters a nucleotide located close to a canonical splice site and therefore could affect mRNA splicing, leading to a significantly altered protein sequence. 5/5 computational tools predict no significant impact on normal splicing. However, these predictions have yet to be confirmed by functional studies. The variant allele was found at a frequency of 0.46 in 17666 control chromosomes in the gnomAD database, including 169 homozygotes. The observed variant frequency is approximately 102-folds over the estimated maximal expected allele frequency for a pathogenic variant in CASQ2 causing Arrhythmia phenotype (0.0045), strongly suggesting that the variant is benign. To our knowledge, no occurrence of c.738-6_738-5delTT in individuals affected with Arrhythmia and no experimental evidence demonstrating its impact on protein function have been reported. Two ClinVar submissions (evaluation after 2014) cites the variant as benign. Based on the evidence outlined above, the variant was classified as benign.

GeneDx
Classification: Benign. Last evaluated: 2018-06-12. Review status: criteria provided, single submitter. Criteria: GeneDx Variant Classification Process June 2021. Collection method: clinical testing. Allele origin: germline. Affected: yes.

Laboratory for Molecular Medicine, Mass General Brigham Personalized Medicine
Classification: Benign. Last evaluated: 2016-03-28. Review status: criteria provided, single submitter. Criteria: LMM Criteria. Collection method: clinical testing. Allele origin: germline.
Comment: Variant identified in a genome or exome case(s) and assessed due to predicted null impact of the variant or pathogenic assertions in the literature or databases. Disclaimer: This variant has not undergone full assessment. The following are preliminary notes: Frequency

Clinical Genetics DNA and cytogenetics Diagnostics Lab, Erasmus MC, Erasmus Medical Center
Classification: Benign. Review status: no assertion criteria provided. Collection method: clinical testing. Allele origin: germline. Affected: yes. Study: VKGL Data-share Consensus. Not counted in ClinVar's aggregate classification.

Joint Genome Diagnostic Labs from Nijmegen and Maastricht, Radboudumc and MUMC+
Classification: Benign. Review status: no assertion criteria provided. Collection method: clinical testing. Allele origin: germline. Affected: yes. Study: VKGL Data-share Consensus. Not counted in ClinVar's aggregate classification.

Laboratory of Diagnostic Genome Analysis, Leiden University Medical Center (LUMC)
Classification: Likely benign. Review status: no assertion criteria provided. Collection method: clinical testing. Allele origin: germline. Affected: yes. Study: VKGL Data-share Consensus. Not counted in ClinVar's aggregate classification.